The following is an entry in ClinVar:

NM_004006.3(DMD):c.1721G>A (p.Trp574Ter)

Gene: DMD (dystrophin; minus strand). Cytogenetic location: Xp21.1.
Variant type: single nucleotide variant.
Coding change: c.1721G>A on transcript NM_004006.3 (MANE Select); coding-DNA position 1721, G replaced by A.
Protein change: p.Trp574Ter; replaces tryptophan 574 with a stop codon.
Molecular consequence: nonsense.
Genome position (GRCh38, 1-based): chrX:32,573,621, C>T on the plus strand (G>A on the coding strand, the complement: DMD is on the minus strand). VCF-style: chrX-32573621-C-T. GRCh37 (hg19) VCF-style: chrX-32591738-C-T.
Other names: c.1697G>A, p.Trp566Ter (NM_000109.4); c.1709G>A, p.Trp570Ter (NM_004009.3); c.1352G>A, p.Trp451Ter (NM_004010.3); short protein forms W451*, W566*, W570*, W574*.
Identifiers: ClinVar variation 1074010 (VCV001074010.10), dbSNP rs2149137069, ClinGen allele CA412673267.
Genomic context (GRCh38, chrX:32,573,621, plus strand): 5'-TTTTGATCTTTAAAGCCAGTTGTGTGAATCTTGTTCACTGCATCTTCTTTTTCTGAAAGC[C>T]ATGCACTAAAAAGGCACTGCAAGACATTAAAGAATTCCAAGGAATAAATAAACATAAATC-3'

ClinVar aggregate classification (germline): Pathogenic (1 of 4 stars; one submission).

Conditions:
Duchenne muscular dystrophy (DMD). Also called: MUSCULAR DYSTROPHY, PSEUDOHYPERTROPHIC PROGRESSIVE, DUCHENNE TYPE; Duchenne Muscular Dystrophy (DMD). Identifiers: Orphanet 98896, MedGen C0013264, MONDO:0010679, OMIM 310200.

Submission:

Labcorp Genetics (formerly Invitae), Labcorp
Classification: Pathogenic for Duchenne muscular dystrophy. Last evaluated: 2022-11-18. Review status: criteria provided, single submitter. Criteria: Invitae Variant Classification Sherloc (09022015). Collection method: clinical testing. Allele origin: germline.
Comment: For these reasons, this variant has been classified as Pathogenic. ClinVar contains an entry for this variant (Variation ID: 1074010). This premature translational stop signal has been observed in individual(s) with Duchenne muscular dystrophy (PMID: 19409785). This variant is not present in population databases (gnomAD no frequency). This sequence change creates a premature translational stop signal (p.Trp574*) in the DMD gene. It is expected to result in an absent or disrupted protein product. Loss-of-function variants in DMD are known to be pathogenic (PMID: 16770791, 25007885).

Literature cited by the submitters: PubMed 19409785; PubMed 16770791; PubMed 25007885.